The following is an entry in ClinVar:

NM_001042492.3(NF1):c.407del (p.Asn136fs)

Gene: NF1 (neurofibromin 1; plus strand). Cytogenetic location: 17q11.2.
Variant type: Deletion.
Coding change: c.407del on transcript NM_001042492.3 (MANE Select); coding-DNA position 407, one base deleted (A; older notation c.407delA).
Protein change: p.Asn136fs; shifts the reading frame from asparagine 136.
Molecular consequence: frameshift variant.
Genome position (GRCh38, 1-based): chr17:31,163,304, A deleted; the last of 2 consecutive A bases (chr17:31,163,303-31,163,304); deleting either gives the same sequence. VCF-style (leftmost placement, unchanged base first): chr17-31163302-GA-G. GRCh37 (hg19) VCF-style: chr17-29490320-GA-G.
Other names: c.407delA (NM_000267.3); c.407delA, p.Asn136Ilefs (NM_000267.4); c.407del, p.Asn136fs (NM_001128147.3); short protein forms N136fs.
Identifiers: ClinVar variation 1737613 (VCV001737613.2), dbSNP rs2544701178, ClinGen allele CA2580092876.

ClinVar aggregate classification (germline): Pathogenic (1 of 4 stars; one submission).

Conditions:
Hereditary cancer-predisposing syndrome. Also called: Neoplastic Syndromes, Hereditary; Tumor predisposition; Hereditary Cancer Syndrome; Hereditary neoplastic syndrome. Identifiers: Orphanet 140162, MedGen C0027672, MeSH D009386, MONDO:0015356.
Cardiovascular phenotype. Identifiers: MedGen CN230736.

Submission:

Ambry Genetics
Classification: Pathogenic for Cardiovascular phenotype; Hereditary cancer-predisposing syndrome. Last evaluated: 2022-07-05. Review status: criteria provided, single submitter. Criteria: Ambry Variant Classification Scheme 2023. Collection method: clinical testing. Allele origin: germline.
Comment: The c.407delA pathogenic mutation, located in coding exon 4 of the NF1 gene, results from a deletion of one nucleotide at nucleotide position 407, causing a translational frameshift with a predicted alternate stop codon (p.N136Ifs*29). This alteration has been observed in at least one individual with a personal and/or family history that is consistent with Neurofibromatosis type 1 (NF1) (Sharifi S et al. Balkan Med J, 2021 11;38:365-373). This variant is considered to be rare based on population cohorts in the Genome Aggregation Database (gnomAD). This alteration is expected to result in loss of function by premature protein truncation or nonsense-mediated mRNA decay. As such, this alteration is interpreted as a disease-causing mutation.